The following is an entry in ClinVar:

NM_173354.5(SIK1):c.1693C>T (p.Pro565Ser)

Gene: SIK1 (salt inducible kinase 1; minus strand). Cytogenetic location: 21q22.3.
Variant type: single nucleotide variant.
Coding change: c.1693C>T on transcript NM_173354.5 (MANE Select); coding-DNA position 1693, C replaced by T.
Protein change: p.Pro565Ser; replaces proline 565 with serine.
Molecular consequence: missense variant.
Genome position (GRCh38, 1-based): chr21:43,418,311, G>A on the plus strand (C>T on the coding strand, the complement: SIK1 is on the minus strand). VCF-style: chr21-43418311-G-A. GRCh37 (hg19) VCF-style: chr21-44838191-G-A.
Other names: short protein forms P565S.
Identifiers: ClinVar variation 999090 (VCV000999090.9), dbSNP rs2081041634, ClinGen allele CA410607505.

ClinVar aggregate classification (germline): Uncertain significance (1 of 4 stars; one submission).

Conditions:
Developmental and epileptic encephalopathy, 30 (DEE30). Also called: Epileptic encephalopathy, early infantile, 30. Identifiers: MedGen C4225360, MONDO:0014595, OMIM 616341.

Submission:

Labcorp Genetics (formerly Invitae), Labcorp
Classification: Uncertain significance for Developmental and epileptic encephalopathy, 30. Last evaluated: 2020-03-14. Review status: criteria provided, single submitter. Criteria: Invitae Variant Classification Sherloc (09022015). Collection method: clinical testing. Allele origin: germline.
Comment: This variant is not present in population databases (ExAC no frequency). This sequence change replaces proline with serine at codon 565 of the SIK1 protein (p.Pro565Ser). The proline residue is moderately conserved and there is a moderate physicochemical difference between proline and serine. This variant has not been reported in the literature in individuals with SIK1-related conditions. In summary, the available evidence is currently insufficient to determine the role of this variant in disease. Therefore, it has been classified as a Variant of Uncertain Significance. Algorithms developed to predict the effect of missense changes on protein structure and function are either unavailable or do not agree on the potential impact of this missense change (SIFT: "Tolerated"; PolyPhen-2: "Probably Damaging"; Align-GVGD: "Class C0").